The following is an entry in ClinVar:

NM_001324418.2(ADAM22):c.2255_2259del (p.Ile752fs)

Gene: ADAM22 (ADAM metallopeptidase domain 22; plus strand). Cytogenetic location: 7q21.12.
Variant type: Deletion.
Coding change: c.2255_2259del on transcript NM_001324418.2 (MANE Select); coding-DNA positions 2255 to 2259, 5 bases deleted (TATTA; older notation c.2255_2259delTATTA).
Protein change: p.Ile752fs; shifts the reading frame from isoleucine 752.
Molecular consequence: frameshift variant.
Genome position (GRCh38, 1-based): chr7:88,168,200-88,168,204, TATTA deleted; deleting any 5 consecutive bases within chr7:88,168,199-88,168,204 gives the same sequence; the c. name uses the placement nearest the transcript's 3' end. VCF-style (leftmost placement, unchanged base first): chr7-88168198-CATATT-C. GRCh37 (hg19) VCF-style: chr7-87797513-CATATT-C.
Other names: c.2252_2256del, p.Ile751fs (NM_001324417.2, NM_001324419.2, NM_001391978.1 and 2 more transcripts); c.2255_2259del, p.Ile752fs (NM_001324420.2, NM_001324421.2, NM_001391976.1 and 6 more transcripts); c.2306_2310del, p.Ile769fs (NM_001391975.1, NM_001391980.1); c.2231_2235del, p.Ile744fs (NM_001391982.1); short protein forms I744fs, I751fs, I752fs, I769fs.
Identifiers: ClinVar variation 3032420 (VCV003032420.2), dbSNP rs760686398, ClinGen allele CA4330771.

ClinVar aggregate classification (germline): Likely pathogenic (0 of 4 stars; one submission).

Conditions:
ADAM22-related disorder. Also called: ADAM22-related condition.

Submission:

PreventionGenetics, part of Exact Sciences
Classification: Likely pathogenic for ADAM22-related condition. Last evaluated: 2023-11-06. Review status: no assertion criteria provided. Collection method: clinical testing. Allele origin: germline.
Comment: The ADAM22 c.2255_2259del5 variant is predicted to result in a frameshift and premature protein termination (p.Ile752Argfs*8). To our knowledge, this variant has not been reported in the literature. This variant is reported in 1 of ~249,000 alleles in individuals of European (Non-Finnish) descent in gnomAD. Frameshift variants in ADAM22 are expected to be pathogenic. This variant is interpreted as likely pathogenic.